The following is an entry in ClinVar:

ClinVar aggregate classification (germline): Uncertain significance (1 of 4 stars; one submission).

gnomAD v4.1: 1 of 1,613,514 alleles (0.000062%); highest among the groups gnomAD compares: South Asian, 0.0011%; no homozygotes.

Submission:

Women's Health and Genetics/Laboratory Corporation of America, LabCorp
Classification: Uncertain significance. Last evaluated: 2025-05-05. Review status: criteria provided, single submitter. Criteria: LabCorp Variant Classification Summary - May 2015. Collection method: clinical testing. Allele origin: germline.
Comment: Variant summary: CHST14 c.526G>A (p.Val176Met) results in a conservative amino acid change in the encoded protein sequence. Algorithms developed to predict the effect of missense changes on protein structure and function are either unavailable or do not agree on the potential impact of this missense change. The variant was absent in 250104 control chromosomes. The available data on variant occurrences in the general population are insufficient to allow any conclusion about variant significance. c.526G>A has been observed in th heterozygous state in an individual affected with ascending thoracic aortic aneurysms who also carried several other variants (Salmasi_2022). These report(s) do not provide unequivocal conclusions about association of the variant with Ehlers-Danlos syndrome, musculocontractural type. To our knowledge, no experimental evidence demonstrating an impact on protein function has been reported. The following publication have been ascertained in the context of this evaluation (PMID: 35830949). No submitters have cited clinical-significance assessments for this variant to ClinVar. Based on the evidence outlined above, the variant was classified as uncertain significance.

Literature cited by the submitters: PubMed 35830949.

NM_130468.4(CHST14):c.526G>A (p.Val176Met)

Gene: CHST14 (carbohydrate sulfotransferase 14; plus strand). Cytogenetic location: 15q15.1.
Variant type: single nucleotide variant.
Coding change: c.526G>A on transcript NM_130468.4 (MANE Select); coding-DNA position 526, G replaced by A.
Protein change: p.Val176Met; replaces valine 176 with methionine.
Molecular consequence: missense variant.
Genome position (GRCh38, 1-based): chr15:40,471,739, G>A. VCF-style: chr15-40471739-G-A. GRCh37 (hg19) VCF-style: chr15-40763938-G-A.
Other names: short protein forms V176M.
Identifiers: ClinVar variation 3902503 (VCV003902503.1).